The following is an entry in ClinVar:

ClinVar aggregate classification (germline): Uncertain significance (1 of 4 stars; one submission).

Allele frequency attached by ClinVar (database versions not stated): gnomAD exomes below 0.00001.
gnomAD v4.1: 16 of 1,595,862 alleles (0.001%); highest among the groups gnomAD compares: Non-Finnish European, 0.0013%; no homozygotes.

Submission:

Labcorp Genetics (formerly Invitae), Labcorp
Classification: Uncertain significance. Last evaluated: 2020-12-18. Review status: criteria provided, single submitter. Criteria: Invitae Variant Classification Sherloc (09022015). Collection method: clinical testing. Allele origin: germline.
Comment: This sequence change replaces aspartic acid with asparagine at codon 93 of the ARL3 protein (p.Asp93Asn). The aspartic acid residue is highly conserved and there is a small physicochemical difference between aspartic acid and asparagine. This variant is not present in population databases (ExAC no frequency). This variant has been observed in individual(s) with clinical features of inherited retinal dystrophy (Invitae). Algorithms developed to predict the effect of missense changes on protein structure and function are either unavailable or do not agree on the potential impact of this missense change (SIFT: "Deleterious"; PolyPhen-2: "Probably Damaging"; Align-GVGD: "Class C15"). In summary, the available evidence is currently insufficient to determine the role of this variant in disease. Therefore, it has been classified as a Variant of Uncertain Significance.

NM_004311.4(ARL3):c.277G>A (p.Asp93Asn)

Gene: ARL3 (ARF like GTPase 3; minus strand). Cytogenetic location: 10q24.32.
Variant type: single nucleotide variant.
Coding change: c.277G>A on transcript NM_004311.4 (MANE Select); coding-DNA position 277, G replaced by A.
Protein change: p.Asp93Asn; replaces aspartic acid 93 with asparagine.
Molecular consequence: missense variant.
Genome position (GRCh38, 1-based): chr10:102,689,931, C>T on the plus strand (G>A on the coding strand, the complement: ARL3 is on the minus strand). VCF-style: chr10-102689931-C-T. GRCh37 (hg19) VCF-style: chr10-104449688-C-T.
Other names: short protein forms D93N.
Identifiers: ClinVar variation 1499673 (VCV001499673.8), dbSNP rs1334610596, ClinGen allele CA377922022.